The following is an entry in ClinVar:

ClinVar aggregate classification (germline): Benign/Likely benign. Review status: criteria provided, multiple submitters, no conflicts (2 of 4 stars). 7 submissions from 5 submitters: Benign (5); Likely benign (2). Last evaluated 2026-05-12.

Conditions:
von Willebrand disease type 2 (VWD2). Also called: VWD, TYPE 2; VON WILLEBRAND DISEASE, TYPE 2A/IIE; VON WILLEBRAND DISEASE, TYPE 2CB; VON WILLEBRAND DISEASE, TYPE II. Identifiers: Orphanet 166081, Orphanet 903, MedGen C1264040, MONDO:0013304, OMIM 613554.
von Willebrand disease type 1 (VWD1). Also called: VWD, TYPE 1; VON WILLEBRAND DISEASE, TYPE I. Identifiers: Orphanet 166078, Orphanet 903, MedGen C1264039, MONDO:0008668, OMIM 193400. Inheritance: autosomal recessive or autosomal dominant.
Hereditary von Willebrand disease. Identifiers: Orphanet 903, MedGen C5703318, MONDO:0019565. Inheritance: Autosomal recessive or Autosomal dominant.
von Willebrand disease type 3 (VWD3). Also called: Type 3 Von Willebrand's disease; Type 3 VWD; Von Willebrand disease, severe form; V WD3; VON WILLEBRAND DISEASE, TYPE III. Identifiers: Orphanet 166096, MedGen C1264041, MONDO:0010191, OMIM 277480.

Allele frequency attached by ClinVar (database versions not stated): TOPMed 0.05307; 1000 Genomes Project 0.05172; gnomAD 0.05514 and 0.05642; gnomAD exomes 0.08127 and 0.06419; ESP Exome Variant Server 0.05651; ExAC 0.06414; 1000 Genomes Project 30x 0.04809.
gnomAD v4.1: 126,803 of 1,611,768 alleles (7.9%); highest among the groups gnomAD compares: South Asian, 9%; 5,419 homozygotes.

Submissions (7):

Women's Health and Genetics/Laboratory Corporation of America, LabCorp
Classification: Benign. Last evaluated: 2026-05-12. Review status: criteria provided, single submitter. Criteria: LabCorp Variant Classification Summary - May 2015. Collection method: clinical testing. Allele origin: germline.

Genome-Nilou Lab
Classification: Benign for von Willebrand disease type 1. Last evaluated: 2021-12-05. Review status: criteria provided, single submitter. Criteria: ACMG Guidelines, 2015. Collection method: clinical testing. Allele origin: germline. Affected: no.

Genome-Nilou Lab
Classification: Benign for von Willebrand disease type 3. Last evaluated: 2021-12-05. Review status: criteria provided, single submitter. Criteria: ACMG Guidelines, 2015. Collection method: clinical testing. Allele origin: germline. Affected: no.

Genome-Nilou Lab
Classification: Benign for von Willebrand disease type 2. Last evaluated: 2021-12-05. Review status: criteria provided, single submitter. Criteria: ACMG Guidelines, 2015. Collection method: clinical testing. Allele origin: germline. Affected: no.

Illumina Laboratory Services, Illumina
Classification: Likely benign for von Willebrand disorder. Last evaluated: 2018-01-13. Review status: criteria provided, single submitter. Criteria: ICSL Variant Classification Criteria 13 December 2019. Collection method: clinical testing. Allele origin: germline.
Comment: This variant was observed in the ICSL laboratory as part of a predisposition screen in an ostensibly healthy population. It had not been previously curated by ICSL or reported in the Human Gene Mutation Database (HGMD: prior to June 1st, 2018), and was therefore a candidate for classification through an automated scoring system. Utilizing variant allele frequency, disease prevalence and penetrance estimates, and inheritance mode, an automated score was calculated to assess if this variant is too frequent to cause the disease. Based on the score and internal cut-off values, a variant classified as likely benign is not then subjected to further curation. The score for this variant resulted in a classification of likely benign for this disease.

Breakthrough Genomics
Classification: Likely benign. Review status: criteria provided, single submitter. Criteria: ACMG Guidelines, 2015. Collection method: not provided. Allele origin: germline. Inheritance: Autosomal recessive inheritance. Affected: yes.

PreventionGenetics, part of Exact Sciences
Classification: Benign. Review status: criteria provided, single submitter. Criteria: ACMG Guidelines, 2015. Collection method: clinical testing. Allele origin: germline.

NM_000552.5(VWF):c.7771-13C>T

Gene: VWF (von Willebrand factor; minus strand). Cytogenetic location: 12p13.31.
Variant type: single nucleotide variant.
Coding change: c.7771-13C>T on transcript NM_000552.5 (MANE Select); 13 bases into the intron before coding-DNA position 7771, C replaced by T.
Molecular consequence: intron variant.
Genome position (GRCh38, 1-based): chr12:5,967,615, G>A on the plus strand (C>T on the coding strand, the complement: VWF is on the minus strand). VCF-style: chr12-5967615-G-A. GRCh37 (hg19) VCF-style: chr12-6076781-G-A.
Identifiers: ClinVar variation 256699 (VCV000256699.9), dbSNP rs11063962, ClinGen allele CA6401520.